The following is an entry in ClinVar:

NM_022489.4(INF2):c.38C>T (p.Ala13Val)

Gene: INF2 (inverted formin 2; plus strand). Cytogenetic location: 14q32.33.
Variant type: single nucleotide variant.
Coding change: c.38C>T on transcript NM_022489.4 (MANE Select); coding-DNA position 38, C replaced by T.
Protein change: p.Ala13Val; replaces alanine 13 with valine.
Molecular consequence: missense variant. On other transcripts: non-coding transcript variant (1).
Genome position (GRCh38, 1-based): chr14:104,701,403, C>T. VCF-style: chr14-104701403-C-T. GRCh37 (hg19) VCF-style: chr14-105167740-C-T.
Other names: c.38C>T, p.Ala13Val (NM_001031714.4, NM_001426862.1, NM_001426863.1 and 6 more transcripts); short protein forms A13V.
Identifiers: ClinVar variation 3749633 (VCV003749633.2).

ClinVar aggregate classification (germline): Uncertain significance (1 of 4 stars; one submission).

Conditions:
Focal segmental glomerulosclerosis 5 (FSGS5). Identifiers: Orphanet 656, MedGen C2750475, MONDO:0013191, OMIM 613237.
Charcot-Marie-Tooth disease dominant intermediate E. Also called: CHARCOT-MARIE-TOOTH NEUROPATHY WITH FOCAL SEGMENTAL GLOMERULONEPHRITIS. Identifiers: Orphanet 93114, MedGen C4302667, MONDO:0013758, OMIM 614455.

Submission:

Labcorp Genetics (formerly Invitae), Labcorp
Classification: Uncertain significance for Charcot-Marie-Tooth disease dominant intermediate E; Focal segmental glomerulosclerosis 5. Last evaluated: 2024-04-16. Review status: criteria provided, single submitter. Criteria: Invitae Variant Classification Sherloc (09022015). Collection method: clinical testing. Allele origin: germline.
Comment: This sequence change replaces alanine, which is neutral and non-polar, with valine, which is neutral and non-polar, at codon 13 of the INF2 protein (p.Ala13Val). This variant is not present in population databases (gnomAD no frequency). This variant has not been reported in the literature in individuals affected with INF2-related conditions. Advanced modeling of protein sequence and biophysical properties (such as structural, functional, and spatial information, amino acid conservation, physicochemical variation, residue mobility, and thermodynamic stability) performed at Invitae indicates that this missense variant is not expected to disrupt INF2 protein function with a negative predictive value of 95%. In summary, the available evidence is currently insufficient to determine the role of this variant in disease. Therefore, it has been classified as a Variant of Uncertain Significance.